The following is an entry in ClinVar:

ClinVar aggregate classification (germline): Likely benign. Review status: criteria provided, single submitter (1 of 4 stars). 2 submissions from 2 submitters: Likely benign (1). 1 of the submissions does not count toward it. Last evaluated 2025-04-10.

Conditions:
ADNP-related disorder. Also called: ADNP-related condition.

Allele frequency attached by ClinVar (database versions not stated): gnomAD exomes 0.00005 and 0.00006; ExAC 0.00008; ESP Exome Variant Server 0.00015; TOPMed 0.00025; gnomAD 0.00027 and 0.00031.
gnomAD v4.1: 115 of 1,614,172 alleles (0.0071%); highest among the groups gnomAD compares: African/African-American, 0.1%; no homozygotes.

Submissions (2):

Labcorp Genetics (formerly Invitae), Labcorp
Classification: Likely benign. Last evaluated: 2025-04-10. Review status: criteria provided, single submitter. Criteria: Invitae Variant Classification Sherloc (09022015). Collection method: clinical testing. Allele origin: germline.

PreventionGenetics, part of Exact Sciences
Classification: Likely benign for ADNP-related condition. Last evaluated: 2024-02-21. Review status: no assertion criteria provided. Collection method: clinical testing. Allele origin: germline. Not counted in ClinVar's aggregate classification.
Comment: This variant is classified as likely benign based on ACMG/AMP sequence variant interpretation guidelines (Richards et al. 2015 PMID: 25741868, with internal and published modifications).

NM_001282531.3(ADNP):c.1428A>G (p.Ala476=)

Gene: ADNP (activity dependent neuroprotector homeobox; minus strand). Cytogenetic location: 20q13.13.
Variant type: single nucleotide variant.
Coding change: c.1428A>G on transcript NM_001282531.3 (MANE Select); coding-DNA position 1428, A replaced by G.
Protein change: p.Ala476=; no amino-acid change (alanine 476 retained).
Molecular consequence: synonymous variant.
Genome position (GRCh38, 1-based): chr20:50,893,286, T>C on the plus strand (A>G on the coding strand, the complement: ADNP is on the minus strand). VCF-style: chr20-50893286-T-C. GRCh37 (hg19) VCF-style: chr20-49509823-T-C.
Other names: c.1428A>G, p.Ala476= (NM_001282532.2, NM_001347511.2, NM_015339.5 and 1 more transcripts); c.1428A>G (NM_001282531.2).
Identifiers: ClinVar variation 729217 (VCV000729217.10), dbSNP rs150847732, ClinGen allele CA9908722.